The following is an entry in ClinVar:

NM_001378457.1(DMXL2):c.919C>T (p.His307Tyr)

Gene: DMXL2 (Dmx like 2; minus strand). Cytogenetic location: 15q21.2.
Variant type: single nucleotide variant.
Coding change: c.919C>T on transcript NM_001378457.1 (MANE Select); coding-DNA position 919, C replaced by T.
Protein change: p.His307Tyr; replaces histidine 307 with tyrosine.
Molecular consequence: missense variant. On other transcripts: non-coding transcript variant (2).
Genome position (GRCh38, 1-based): chr15:51,545,594, G>A on the plus strand (C>T on the coding strand, the complement: DMXL2 is on the minus strand). VCF-style: chr15-51545594-G-A. GRCh37 (hg19) VCF-style: chr15-51837791-G-A.
Other names: c.919C>T, p.His307Tyr (NM_001174116.3, NM_001174117.3, NM_001378458.1 and 7 more transcripts); short protein forms H307Y.
Identifiers: ClinVar variation 1971082 (VCV001971082.2), dbSNP rs1034088771, ClinGen allele CA270613867.

ClinVar aggregate classification (germline): Uncertain significance (1 of 4 stars; one submission).

Allele frequency attached by ClinVar (database versions not stated): gnomAD exomes below 0.00001.

Submission:

Labcorp Genetics (formerly Invitae), Labcorp
Classification: Uncertain significance. Last evaluated: 2022-08-03. Review status: criteria provided, single submitter. Criteria: Invitae Variant Classification Sherloc (09022015). Collection method: clinical testing. Allele origin: germline.
Comment: This sequence change replaces histidine, which is basic and polar, with tyrosine, which is neutral and polar, at codon 307 of the DMXL2 protein (p.His307Tyr). This variant is not present in population databases (gnomAD no frequency). This variant has not been reported in the literature in individuals affected with DMXL2-related conditions. Algorithms developed to predict the effect of missense changes on protein structure and function are either unavailable or do not agree on the potential impact of this missense change (SIFT: "Tolerated"; PolyPhen-2: "Possibly Damaging"; Align-GVGD: "Class C0"). In summary, the available evidence is currently insufficient to determine the role of this variant in disease. Therefore, it has been classified as a Variant of Uncertain Significance.